The following is an entry in ClinVar:

ClinVar aggregate classification (germline): Uncertain significance (1 of 4 stars; one submission).

gnomAD v4.1: 3 of 1,609,828 alleles (0.00019%); highest among the groups gnomAD compares: South Asian, 0.0022%; no homozygotes.

Submission:

Women's Health and Genetics/Laboratory Corporation of America, LabCorp
Classification: Uncertain significance. Last evaluated: 2026-03-20. Review status: criteria provided, single submitter. Criteria: LabCorp Variant Classification Summary - May 2015. Collection method: clinical testing. Allele origin: germline.
Comment: Variant summary: DOT1L c.2206C>T (p.Pro736Ser) results in a non-conservative amino acid change in the encoded protein sequence. Algorithms developed to predict the effect of missense changes on protein structure and function are either unavailable or do not agree on the potential impact of this missense change. The variant was absent in 244692 control chromosomes. The available data on variant occurrences in the general population are insufficient to allow any conclusion about variant significance. To our knowledge, no occurrence of c.2206C>T in individuals affected with DOT1L-related conditions and no experimental evidence demonstrating its impact on protein function have been reported. No submitters have cited clinical-significance assessments for this variant to ClinVar. Based on the evidence outlined above, the variant was classified as uncertain significance.

NM_032482.3(DOT1L):c.2206C>T (p.Pro736Ser)

Gene: DOT1L (DOT1 like histone lysine methyltransferase; plus strand). Cytogenetic location: 19p13.3.
Variant type: single nucleotide variant.
Coding change: c.2206C>T on transcript NM_032482.3 (MANE Select); coding-DNA position 2206, C replaced by T.
Protein change: p.Pro736Ser; replaces proline 736 with serine.
Molecular consequence: missense variant.
Genome position (GRCh38, 1-based): chr19:2,216,563, C>T. VCF-style: chr19-2216563-C-T. GRCh37 (hg19) VCF-style: chr19-2216562-C-T.
Other names: c.2206C>T, p.Pro736Ser (NM_001411141.1); short protein forms P736S.
Identifiers: ClinVar variation 4847064 (VCV004847064.1).
Genomic context (GRCh38, chr19:2,216,563, plus strand): 5'-CAGGCTGCTGGCTATGAGCTCTGCGGTGTGCTGAGCCGGCCTTCGTCGAAGCAGAACACG[C>T]CCCAGTACCTGGCCTCACCCCTGGACCAGGAGGTGGTGCCCTGTACCCCTAGCCACGTCG-3'
Protein context (NP_115871.1, residues 726-746): LSRPSSKQNT[Pro736Ser]QYLASPLDQE